The following is an entry in ClinVar:

ClinVar aggregate classification (germline): Uncertain significance (1 of 4 stars; one submission).

Conditions:
Congenital adrenal hypoplasia, X-linked (AHC). Also called: ADRENAL HYPOPLASIA, CONGENITAL, WITH HYPOGONADOTROPIC HYPOGONADISM; Isolated X-Linked Adrenal Hypoplasia Congenita; X-linked AHC; X-Linked Adrenal Hypoplasia Congenita. Identifiers: Orphanet 95702, MedGen C0342482, MONDO:0010264, OMIM 300200. Disease mechanism: loss of function.
46,XY sex reversal 2. Also called: 46,XY SEX REVERSAL, DAX1-RELATED; NR0B1-Related 46,XY CGD; NR0B1-related 46,XY complete gonadal dysgenesis; Dosage-sensitive sex reversal; 46XY sex reversal 2, dosage-sensitive. Identifiers: MedGen C1848296, MONDO:0010226, OMIM 300018.

Submission:

Labcorp Genetics (formerly Invitae), Labcorp
Classification: Uncertain significance for Congenital adrenal hypoplasia, X-linked; 46,XY sex reversal 2. Last evaluated: 2022-07-12. Review status: criteria provided, single submitter. Criteria: Invitae Variant Classification Sherloc (09022015). Collection method: clinical testing. Allele origin: germline.
Comment: In summary, the available evidence is currently insufficient to determine the role of this variant in disease. Therefore, it has been classified as a Variant of Uncertain Significance. Algorithms developed to predict the effect of missense changes on protein structure and function are either unavailable or do not agree on the potential impact of this missense change (SIFT: "Deleterious"; PolyPhen-2: "Probably Damaging"; Align-GVGD: "Class C0"). This variant has not been reported in the literature in individuals affected with NR0B1-related conditions. This variant is not present in population databases (gnomAD no frequency). This sequence change replaces tyrosine, which is neutral and polar, with cysteine, which is neutral and slightly polar, at codon 130 of the NR0B1 protein (p.Tyr130Cys).

NM_000475.5(NR0B1):c.389A>G (p.Tyr130Cys)

Gene: NR0B1 (nuclear receptor subfamily 0 group B member 1; minus strand). Cytogenetic location: Xp21.2.
Variant type: single nucleotide variant.
Coding change: c.389A>G on transcript NM_000475.5 (MANE Select); coding-DNA position 389, A replaced by G.
Protein change: p.Tyr130Cys; replaces tyrosine 130 with cysteine.
Molecular consequence: missense variant.
Genome position (GRCh38, 1-based): chrX:30,308,975, T>C on the plus strand (A>G on the coding strand, the complement: NR0B1 is on the minus strand). VCF-style: chrX-30308975-T-C. GRCh37 (hg19) VCF-style: chrX-30327092-T-C.
Other names: short protein forms Y130C.
Identifiers: ClinVar variation 2094869 (VCV002094869.4), dbSNP rs2519051759, ClinGen allele CA412548874.